The following is an entry in ClinVar:

NM_013254.4(TBK1):c.1051G>A (p.Glu351Lys)

Gene: TBK1 (TANK binding kinase 1; plus strand). Cytogenetic location: 12q14.2.
Variant type: single nucleotide variant.
Coding change: c.1051G>A on transcript NM_013254.4 (MANE Select); coding-DNA position 1051, G replaced by A.
Protein change: p.Glu351Lys; replaces glutamic acid 351 with lysine.
Molecular consequence: missense variant.
Genome position (GRCh38, 1-based): chr12:64,484,361, G>A. VCF-style: chr12-64484361-G-A. GRCh37 (hg19) VCF-style: chr12-64878141-G-A.
Other names: short protein forms E351K.
Identifiers: ClinVar variation 2584886 (VCV002584886.1), dbSNP rs2539517130, ClinGen allele CA385600156.

ClinVar aggregate classification (germline): Uncertain significance (1 of 4 stars; one submission).

Conditions:
Frontotemporal dementia and/or amyotrophic lateral sclerosis 4. Also called: FTDALS4. Identifiers: Orphanet 275872, MedGen C4225325, MONDO:0014641, OMIM 616439.

Submission:

Neuberg Centre For Genomic Medicine, NCGM
Classification: Uncertain significance for Frontotemporal dementia and/or amyotrophic lateral sclerosis 4. Review status: criteria provided, single submitter. Criteria: ACMG Guidelines, 2015. Collection method: clinical testing. Allele origin: germline. Inheritance: Autosomal dominant inheritance. Affected: yes.
Comment: The missense variant c.1051G>A (p.Glu351Lys) in TBK1 gene has not been reported previously as a pathogenic variant nor as a benign variant, to our knowledge. The p.Glu351Lys variant is novel (not in any individuals) in gnomAD Exomes and 1000 Genomes. The amino acid Glu at position 351 is changed to a Lys changing protein sequence and it might alter its composition and physico-chemical properties. The amino acid change p.Glu351Lys in TBK1 is predicted as conserved by GERP++ and PhyloP across 100 vertebrates. For these reasons, this variant has been classified as Uncertain Significance.